The following is an entry in ClinVar:

NM_004656.4(BAP1):c.2056G>A (p.Gly686Ser)

Gene: BAP1 (BRCA1 associated deubiquitinase 1; minus strand). Cytogenetic location: 3p21.1.
Variant type: single nucleotide variant.
Coding change: c.2056G>A on transcript NM_004656.4 (MANE Select); coding-DNA position 2056, G replaced by A.
Protein change: p.Gly686Ser; replaces glycine 686 with serine.
Molecular consequence: missense variant.
Genome position (GRCh38, 1-based): chr3:52,402,602, C>T on the plus strand (G>A on the coding strand, the complement: BAP1 is on the minus strand). VCF-style: chr3-52402602-C-T. GRCh37 (hg19) VCF-style: chr3-52436618-C-T.
Other names: short protein forms G686S.
Identifiers: ClinVar variation 663464 (VCV000663464.6), dbSNP rs1578218650, ClinGen allele CA353096110.
Genomic context (GRCh38, chr3:52,402,602, plus strand): 5'-AGCTGAAGGACACGGCCCTCAGCAGGGCATTCCAGTTAAGACAGCAGCGCATCCCCTCAC[C>T]TTCCTGAGCCAGCATGGAGATAAAGGTGCAGATGAACTCATCGTAGTTGTGGGTCCTTCT-3'
Protein context (NP_004647.1, residues 676-696): CTFISMLAQE[Gly686Ser]MLANLVEQNI

ClinVar aggregate classification (germline): Uncertain significance (1 of 4 stars; one submission).

Conditions:
BAP1-related tumor predisposition syndrome (TPDS1). Also called: Tumor susceptibility linked to germline BAP1 mutations; BAP1 tumor predisposition syndrome; COMMON Syndrome; TUMOR PREDISPOSITION SYNDROME 1. Identifiers: Orphanet 289539, MedGen C3280492, MONDO:0013692, OMIM 614327.

Submission:

Labcorp Genetics (formerly Invitae), Labcorp
Classification: Uncertain significance for BAP1-related tumor predisposition syndrome. Last evaluated: 2018-12-06. Review status: criteria provided, single submitter. Criteria: Invitae Variant Classification Sherloc (09022015). Collection method: clinical testing. Allele origin: germline.
Comment: This sequence change replaces glycine with serine at codon 686 of the BAP1 protein (p.Gly686Ser). The glycine residue is highly conserved and there is a small physicochemical difference between glycine and serine. This variant also falls at the last nucleotide of exon 16 of the BAP1 coding sequence, which is part of the consensus splice site for this exon. This variant is not present in population databases (ExAC no frequency). This variant has not been reported in the literature in individuals with BAP1-related conditions. Algorithms developed to predict the effect of missense changes on protein structure and function (SIFT, PolyPhen-2, Align-GVGD) all suggest that this variant is likely to be disruptive, but these predictions have not been confirmed by published functional studies and their clinical significance is uncertain. Nucleotide substitutions within the consensus splice site are a relatively common cause of aberrant splicing (PMID: 17576681, 9536098). Algorithms developed to predict the effect of sequence changes on RNA splicing suggest that this variant may disrupt the consensus splice site, but this prediction has not been confirmed by published transcriptional studies. In summary, the available evidence is currently insufficient to determine the role of this variant in disease. Therefore, it has been classified as a Variant of Uncertain Significance.

Literature cited by the submitters: PubMed 17576681; PubMed 9536098.